The following is an entry in ClinVar:

ClinVar aggregate classification (germline): Uncertain significance (1 of 4 stars; one submission).

Conditions:
Mendelian susceptibility to mycobacterial diseases due to partial STAT1 deficiency. Also called: IMMUNODEFICIENCY 31A, MYCOBACTERIOSIS, AUTOSOMAL DOMINANT; STAT1 DEFICIENCY, AUTOSOMAL DOMINANT; Immunodeficiency 31a. Identifiers: Orphanet 319595, MedGen C4013950, MONDO:0013956, OMIM 614892.
Immunodeficiency 31B. Also called: IMMUNODEFICIENCY 31B, MYCOBACTERIAL AND VIRAL INFECTIONS, AUTOSOMAL RECESSIVE; STAT1 DEFICIENCY, AUTOSOMAL RECESSIVE. Identifiers: Orphanet 391311, MedGen C3151088, MONDO:0013427, OMIM 613796.
Autoimmune enteropathy and endocrinopathy - susceptibility to chronic infections syndrome. Also called: Immunodeficiency 31C, autosomal dominant; Immunodeficiency 31C. Identifiers: Orphanet 391487, MedGen C3279990, MONDO:0013599, OMIM 614162.

Submission:

Labcorp Genetics (formerly Invitae), Labcorp
Classification: Uncertain significance for Mendelian susceptibility to mycobacterial diseases due to partial STAT1 deficiency; Immunodeficiency 31B; Autoimmune enteropathy and endocrinopathy - susceptibility to chronic infections syndrome. Last evaluated: 2020-10-19. Review status: criteria provided, single submitter. Criteria: Invitae Variant Classification Sherloc (09022015). Collection method: clinical testing. Allele origin: germline.
Comment: In summary, the available evidence is currently insufficient to determine the role of this variant in disease. Therefore, it has been classified as a Variant of Uncertain Significance. Experimental studies and prediction algorithms are not available or were not evaluated, and the functional significance of this variant is currently unknown. This variant has not been reported in the literature in individuals with STAT1-related conditions. This variant is not present in population databases (ExAC no frequency). This variant, c.877_891del, results in the deletion of 5 amino acid(s) of the STAT1 protein (p.Pro293_Asn297del), but otherwise preserves the integrity of the reading frame.

NM_007315.4(STAT1):c.877_891del (p.Pro293_Asn297del)

Gene: STAT1 (signal transducer and activator of transcription 1; minus strand). Cytogenetic location: 2q32.2.
Variant type: Deletion.
Coding change: c.877_891del on transcript NM_007315.4 (MANE Select); coding-DNA positions 877 to 891, 15 bases deleted (CCTATCACAAAAAAC).
Protein change: p.Pro293_Asn297del.
Molecular consequence: inframe deletion. On other transcripts: intron variant (1).
Genome position (GRCh38, 1-based): chr2:190,995,114-190,995,128, GTTTTTTGTGATAGG deleted on the plus strand (CCTATCACAAAAAAC on the coding strand, the reverse complement: STAT1 is on the minus strand); deleting any 15 consecutive bases within chr2:190,995,114-190,995,130 gives the same sequence; the c. name uses the placement nearest the transcript's 3' end. VCF-style (leftmost placement, unchanged base first): chr2-190995113-TGTTTTTTGTGATAGG-T. GRCh37 (hg19) VCF-style: chr2-191859839-TGTTTTTTGTGATAGG-T.
Other names: c.877_891del, p.Pro293_Asn297del (NM_001384880.1, NM_001384882.1, NM_001384886.1 and 4 more transcripts); c.883_897del, p.Pro295_Asn299del (NM_001384881.1, NM_001384884.1); c.778_792del, p.Pro260_Asn264del (NM_001384883.1); c.787_801del, p.Pro263_Asn267del (NM_001384890.1); c.913_927del, p.Pro305_Asn309del (NM_001384891.1); c.785+2728_785+2742del (NM_001384885.1).
Identifiers: ClinVar variation 1017838 (VCV001017838.8), dbSNP rs1693749076, ClinGen allele CA1316282410.